The following is an entry in ClinVar:

NM_000321.3(RB1):c.501-5T>C

Gene: RB1 (RB transcriptional corepressor 1; plus strand). Cytogenetic location: 13q14.2.
Variant type: single nucleotide variant.
Coding change: c.501-5T>C on transcript NM_000321.3 (MANE Select); 5 bases into the intron before coding-DNA position 501, T replaced by C.
Molecular consequence: intron variant.
Genome position (GRCh38, 1-based): chr13:48,347,820, T>C. VCF-style: chr13-48347820-T-C. GRCh37 (hg19) VCF-style: chr13-48921956-T-C.
Other names: c.501-5T>C (NM_001407165.1, NM_001407166.1).
Identifiers: ClinVar variation 3074657 (VCV003074657.1), dbSNP rs2542163555, ClinGen allele CA2825002180.

ClinVar aggregate classification (germline): Uncertain significance (1 of 4 stars; one submission).

Conditions:
Retinoblastoma (RB1). Also called: RETINOBLASTOMA, SOMATIC. Identifiers: Orphanet 790, MedGen C0035335, MeSH D012175, MONDO:0008380, OMIM 180200, HP:0009919. Disease mechanism: loss of function. Inheritance: Both sporadic and heritable forms are tested..

Submission:

All of Us Research Program, National Institutes of Health
Classification: Uncertain significance for Retinoblastoma. Last evaluated: 2023-11-20. Review status: criteria provided, single submitter. Criteria: ACMG Guidelines, 2015. Collection method: clinical testing. Allele origin: germline. Inheritance: Autosomal dominant inheritance. Observed: 1 variant allele, 1 heterozygote.
Comment: This variant causes a T to C nucleotide substitution at the -5 position of intron 4 of the RB1 gene. To our knowledge, RNA studies have not been reported for this variant. This variant has not been reported in individuals affected with RB1-related disorders in the literature. This variant has not been identified in the general population by the Genome Aggregation Database (gnomAD). The available evidence is insufficient to determine the role of this variant in disease conclusively. Therefore, this variant is classified as a Variant of Uncertain Significance.

This study involves interpretation of variants in research participants for the purpose of population health screening. Participant phenotype was not available at the time of variant classification. Additional details can be found in publication PMID: 35346344, PMCID: PMC8962531